The following is an entry in ClinVar:

ClinVar aggregate classification (germline): Uncertain significance. Review status: criteria provided, multiple submitters, no conflicts (2 of 4 stars). 2 submissions from 2 submitters: Uncertain significance (2). Last evaluated 2024-06-03.

Conditions:
Inborn genetic diseases. Identifiers: MedGen C0950123, MeSH D030342.

Allele frequency attached by ClinVar (database versions not stated): TOPMed below 0.00001; gnomAD 0.00001.

Submissions (2):

Ambry Genetics
Classification: Uncertain significance for Inborn genetic diseases. Last evaluated: 2024-06-03. Review status: criteria provided, single submitter. Criteria: Ambry Variant Classification Scheme 2023. Collection method: clinical testing. Allele origin: germline.

GeneDx
Classification: Uncertain significance. Last evaluated: 2019-07-01. Review status: criteria provided, single submitter. Criteria: GeneDx Variant Classification Process June 2021. Collection method: clinical testing. Allele origin: germline. Affected: yes.
Comment: Not observed in large population cohorts (Lek et al., 2016); In silico analysis, which includes protein predictors and evolutionary conservation, supports a deleterious effect; Has not been previously published as pathogenic or benign to our knowledge; Variants in candidate genes are classified as variants of uncertain significance in accordance with ACMG guidelines (Richards et al., 2015)

NM_005482.3(PIGK):c.938C>A (p.Thr313Lys)

Gene: PIGK (phosphatidylinositol glycan anchor biosynthesis class K; minus strand). Cytogenetic location: 1p31.1.
Variant type: single nucleotide variant.
Coding change: c.938C>A on transcript NM_005482.3 (MANE Select); coding-DNA position 938, C replaced by A.
Protein change: p.Thr313Lys; replaces threonine 313 with lysine.
Molecular consequence: missense variant.
Genome position (GRCh38, 1-based): chr1:77,154,497, G>T on the plus strand (C>A on the coding strand, the complement: PIGK is on the minus strand). VCF-style: chr1-77154497-G-T. GRCh37 (hg19) VCF-style: chr1-77620182-G-T.
Other names: short protein forms T313K.
Identifiers: ClinVar variation 1302638 (VCV001302638.3), dbSNP rs1395107568, ClinGen allele CA340860714.